The following is an entry in ClinVar:

NM_015021.3(ZNF292):c.3066_3069del (p.Glu1022fs)

Gene: ZNF292 (zinc finger protein 292; plus strand). Cytogenetic location: 6q14.3.
Variant type: Deletion.
Coding change: c.3066_3069del on transcript NM_015021.3 (MANE Select); coding-DNA positions 3066 to 3069, 4 bases deleted (AAGA; older notation c.3066_3069delAAGA).
Protein change: p.Glu1022fs; shifts the reading frame from glutamic acid 1022.
Molecular consequence: frameshift variant.
Genome position (GRCh38, 1-based): chr6:87,256,695-87,256,698, AAGA deleted; deleting any 4 consecutive bases within chr6:87,256,692-87,256,698 gives the same sequence; the c. name uses the placement nearest the transcript's 3' end. VCF-style (leftmost placement, unchanged base first): chr6-87256691-TAGAA-T. GRCh37 (hg19) VCF-style: chr6-87966409-TAGAA-T.
Other names: NM_015021.3(ZNF292):c.3066_3069del; p.Glu1022fs; c.2646_2649del, p.Glu882fs (NM_001351444.2); c.3066_3069delAAGA (NM_015021.2); short protein forms E882fs, E1022fs.
Identifiers: ClinVar variation 431106 (VCV000431106.6), dbSNP rs1135401779, ClinGen allele CA645372823.

ClinVar aggregate classification (germline): Pathogenic. Review status: criteria provided, multiple submitters, no conflicts (2 of 4 stars). 4 submissions from 4 submitters: Pathogenic (2). 2 of the submissions do not count toward it. Last evaluated 2023-05-02.

Conditions:
Intellectual developmental disorder, autosomal dominant 64. Also called: MENTAL RETARDATION, AUTOSOMAL DOMINANT 64. Identifiers: MedGen C5543067, MONDO:0030934, OMIM 619188.
Neurodevelopmental disorder. Identifiers: MedGen C1535926, MeSH D065886, MONDO:0700092.
Intellectual disability. Also called: Intellectual developmental disorder; Intellectual functioning disability; intellectual disabilities. Identifiers: MedGen C3714756, MeSH D008607, MONDO:0001071, HP:0001249.

Submissions (4):

Broad Center for Mendelian Genomics, Broad Institute of MIT and Harvard
Classification: Pathogenic for Intellectual developmental disorder, autosomal dominant 64. Last evaluated: 2023-05-02. Review status: criteria provided, single submitter. Criteria: ACMG Guidelines, 2015. Collection method: curation. Allele origin: germline. Inheritance: Autosomal dominant inheritance.
Comment: Trio exome analysis showed this variant to be de novo. The p.Glu1022AspfsTer3 variant in ZNF292 has been previously reported in 3 unrelated individuals with autosomal dominant intellectual developmental disorder 64 (ClinVar SCV000586726.1, PMID: 31723249). The number of reported affected individuals with this variant is slightly greater than expected compared to non-affected individuals with this variant. This variant was found to be de novo in these 3 individuals with confirmed paternity and maternity (ClinVar SCV000586726.1, PMID: 31723249). This variant was absent from large population studies. This variant has also been reported in ClinVar (Variation ID: 431106) and has been interpreted as pathogenic by OMIM and Institute of Human Genetics, FAU Erlangen, Friedrich-Alexander-Universit√§t Erlangen-N√ºrnberg and as likely pathogenic by University of Washington Center for Mendelian Genomics. This variant is predicted to cause a frameshift, which alters the protein‚Äôs amino acid sequence beginning at position 1022 and leads to a premature termination codon 3 amino acids downstream. This termination codon occurs within the last exon and is more likely to escape nonsense mediated decay (NMD) and result in a truncated protein. Heterozygous loss of function of the ZNF292 gene is an established disease mechanism in autosomal dominant intellectual developmental disorder 64. In summary, this variant meets criteria to be classified as pathogenic for autosomal dominant intellectual developmental disorder 64. ACMG/AMP Criteria applied: PVS1_Strong, PS2, PS4_Supporting PM2_Supporting (Richards 2015).

Institute of Human Genetics, FAU Erlangen, Friedrich-Alexander-Universität Erlangen-Nürnberg
Classification: Pathogenic for Intellectual disability. Last evaluated: 2017-08-01. Review status: criteria provided, single submitter. Criteria: ACMG Guidelines, 2015. Collection method: clinical testing. Allele origin: de novo. Inheritance: Sporadic. Affected: yes. Observed: 1 variant allele, 1 heterozygote.

OMIM
Classification: Pathogenic for INTELLECTUAL DEVELOPMENTAL DISORDER, AUTOSOMAL DOMINANT 64. Last evaluated: 2021-02-18. Review status: no assertion criteria provided. Collection method: literature only. Allele origin: germline. Not counted in ClinVar's aggregate classification.

University of Washington Center for Mendelian Genomics, University of Washington
Classification: Likely pathogenic for Neurodevelopmental disorder. Review status: no assertion criteria provided. Collection method: research. Allele origin: de novo. Affected: yes. Not counted in ClinVar's aggregate classification.

Literature cited by the submitters: PubMed 31723249 (cited by OMIM and University of Washington Center for Mendelian Genomics, University of Washington).